The following is an entry in ClinVar:

ClinVar aggregate classification (germline): Uncertain significance (1 of 4 stars; one submission).

Conditions:
Hereditary cancer-predisposing syndrome. Also called: Neoplastic Syndromes, Hereditary; Hereditary Cancer Syndrome; Hereditary neoplastic syndrome; Tumor predisposition. Identifiers: Orphanet 140162, MedGen C0027672, MeSH D009386, MONDO:0015356.

Submission:

Ambry Genetics
Classification: Uncertain significance for Hereditary cancer-predisposing syndrome. Last evaluated: 2026-05-06. Review status: criteria provided, single submitter. Criteria: Ambry Variant Classification Scheme 2023. Collection method: clinical testing. Allele origin: germline.
Comment: The p.S62R variant (also known as c.186C>A), located in coding exon 1 of the FLCN gene, results from a C to A substitution at nucleotide position 186. The serine at codon 62 is replaced by arginine, an amino acid with dissimilar properties. This amino acid position is highly conserved in available vertebrate species. In addition, the in silico prediction for this alteration is inconclusive. Based on the available evidence, the clinical significance of this variant remains unclear.

NM_144997.7(FLCN):c.186C>A (p.Ser62Arg)

Gene: FLCN (folliculin; minus strand). Cytogenetic location: 17p11.2.
Variant type: single nucleotide variant.
Coding change: c.186C>A on transcript NM_144997.7 (MANE Select); coding-DNA position 186, C replaced by A.
Protein change: p.Ser62Arg; replaces serine 62 with arginine.
Molecular consequence: missense variant.
Genome position (GRCh38, 1-based): chr17:17,227,952, G>T on the plus strand (C>A on the coding strand, the complement: FLCN is on the minus strand). VCF-style: chr17-17227952-G-T. GRCh37 (hg19) VCF-style: chr17-17131266-G-T.
Other names: c.186C>A, p.Ser62Arg (NM_001353229.2, NM_001353230.2, NM_001353231.2 and 1 more transcripts); short protein forms S62R.
Identifiers: ClinVar variation 4871366 (VCV004871366.1).